The following is an entry in ClinVar:

NM_004998.4(MYO1E):c.420+26T>C

Gene: MYO1E (myosin IE; minus strand). Cytogenetic location: 15q22.2.
Variant type: single nucleotide variant.
Coding change: c.420+26T>C on transcript NM_004998.4 (MANE Select); 26 bases into the intron after coding-DNA position 420, T replaced by C.
Molecular consequence: intron variant.
Genome position (GRCh38, 1-based): chr15:59,236,559, A>G on the plus strand (T>C on the coding strand, the complement: MYO1E is on the minus strand). VCF-style: chr15-59236559-A-G. GRCh37 (hg19) VCF-style: chr15-59528758-A-G.
Identifiers: ClinVar variation 1707300 (VCV001707300.2), dbSNP rs149174152, ClinGen allele CA7590352.
Genomic context (GRCh38, chr15:59,236,559, plus strand): 5'-GGAAGAAAAATTCTTTTCTAACAGCAAATGGAGCCTCTTACATTTCCCATAACATAAGGT[A>G]TCATAATGGGCCACTGCCCACTCACCTGGACTTTGGTCCCTCCTCCAGACACTCTGGAGA-3'

ClinVar aggregate classification (germline): Likely benign (1 of 4 stars; one submission).

Allele frequency attached by ClinVar (database versions not stated): gnomAD exomes 0.00050; ExAC 0.00189; gnomAD 0.00543; TOPMed 0.00580; 1000 Genomes Project 30x 0.00609; ESP Exome Variant Server 0.00625; 1000 Genomes Project 0.00679.
gnomAD v4.1: 1,580 of 1,565,612 alleles (0.1%); highest among the groups gnomAD compares: African/African-American, 1.9%; 14 homozygotes.

Submission:

GeneDx
Classification: Likely benign. Last evaluated: 2021-08-21. Review status: criteria provided, single submitter. Criteria: GeneDx Variant Classification Process June 2021. Collection method: clinical testing. Allele origin: germline. Affected: yes.
Comment: See Variant Classification Assertion Criteria.